The following is an entry in ClinVar:

NM_001042492.3(NF1):c.2410-18C>G

Gene: NF1 (neurofibromin 1; plus strand). Cytogenetic location: 17q11.2.
Variant type: single nucleotide variant.
Coding change: c.2410-18C>G on transcript NM_001042492.3 (MANE Select); 18 bases into the intron before coding-DNA position 2410, C replaced by G.
Molecular consequence: intron variant.
Genome position (GRCh38, 1-based): chr17:31,229,007, C>G. VCF-style: chr17-31229007-C-G. GRCh37 (hg19) VCF-style: chr17-29556025-C-G.
Other names: c.2410-18C>G (NM_000267.4).
Identifiers: ClinVar variation 579654 (VCV000579654.10), dbSNP rs533210843, ClinGen allele CA891844369.
Genomic context (GRCh38, chr17:31,229,007, plus strand): 5'-TGTTGGATAAAGCATAATTTGTCAAGTCTCAACTAATTAAGGTTTAATTCATGCTTTGCA[C>G]AAAAATTTTGTGTTTAGGCTGCTGAAAGCCTTCACAAGACCATTGTTAAGAGGCGAATGT-3'

ClinVar aggregate classification (germline): Conflicting classifications of pathogenicity. Review status: criteria provided, conflicting classifications (1 of 4 stars). 4 submissions from 4 submitters: Pathogenic (2); Likely pathogenic (1); Uncertain significance (1). Last evaluated 2022-01-16.

Conditions:
Neurofibromatosis, type 1 (NF1). Also called: Neurofibromatosis, type I; Peripheral type neurofibromatosis; NEUROFIBROMATOSIS, TYPE I, SOMATIC; VON RECKLINGHAUSEN DISEASE. Identifiers: Orphanet 636, MedGen C0027831, MONDO:0018975, OMIM 162200. Disease mechanism: loss of function.

Submissions (4):

Labcorp Genetics (formerly Invitae), Labcorp
Classification: Pathogenic for Neurofibromatosis, type 1. Last evaluated: 2022-01-16. Review status: criteria provided, single submitter. Criteria: Invitae Variant Classification Sherloc (09022015). Collection method: clinical testing. Allele origin: germline.
Comment: ClinVar contains an entry for this variant (Variation ID: 579654). For these reasons, this variant has been classified as Pathogenic. Studies have shown that this variant results in use of a novel splice site and introduces a premature termination codon (PMID: 32126153). The resulting mRNA is expected to undergo nonsense-mediated decay. This variant has been observed in individual(s) with clinical features of NF1 (PMID: 24789688, 31766501, 32126153; Invitae). This variant is not present in population databases (gnomAD no frequency). This sequence change falls in intron 20 of the NF1 gene. It does not directly change the encoded amino acid sequence of the NF1 protein. RNA analysis indicates that this variant induces altered splicing and may result in an absent or disrupted protein product.

Blueprint Genetics
Classification: Uncertain significance. Last evaluated: 2021-09-22. Review status: criteria provided, single submitter. Criteria: ACMG Guidelines, 2015. Collection method: clinical testing. Allele origin: germline.

UAB Medical Genomics Laboratory, UAB Medicine
Classification: Pathogenic for Neurofibromatosis, type 1. Last evaluated: 2020-01-20. Review status: criteria provided, single submitter. Criteria: ACMG Guidelines, 2015. Collection method: clinical testing. Allele origin: germline. Affected: yes.

Department of Pathology and Laboratory Medicine, Sinai Health System
Classification: Likely pathogenic for neurofibromatosis type 1. Review status: criteria provided, single submitter. Criteria: ACMG Guidelines, 2015. Collection method: clinical testing. Allele origin: germline.

Literature cited by the submitters: PubMed 32126153 (cited by Labcorp Genetics (formerly Invitae), Labcorp and UAB Medical Genomics Laboratory, UAB Medicine); PubMed 24789688 (cited by Labcorp Genetics (formerly Invitae), Labcorp); PubMed 31766501 (cited by Labcorp Genetics (formerly Invitae), Labcorp).